The following is an entry in ClinVar:

NM_003239.5(TGFB3):c.685T>C (p.Cys229Arg)

Gene: TGFB3 (transforming growth factor beta 3; minus strand). Cytogenetic location: 14q24.3.
Variant type: single nucleotide variant.
Coding change: c.685T>C on transcript NM_003239.5 (MANE Select); coding-DNA position 685, T replaced by C.
Protein change: p.Cys229Arg; replaces cysteine 229 with arginine.
Molecular consequence: missense variant.
Genome position (GRCh38, 1-based): chr14:75,965,657, A>G on the plus strand (T>C on the coding strand, the complement: TGFB3 is on the minus strand). VCF-style: chr14-75965657-A-G. GRCh37 (hg19) VCF-style: chr14-76432000-A-G.
Other names: c.685T>C, p.Cys229Arg (NM_001329938.2, NM_001329939.2); short protein forms C229R.
Identifiers: ClinVar variation 2632539 (VCV002632539.1), dbSNP rs2504102972, ClinGen allele CA390468961.
Genomic context (GRCh38, chr14:75,965,657, plus strand): 5'-TGATTTCCATCACCTCGTGAATGTTTTCCAGGATATCTCCATTGGGCTGAAAGGTGTGAC[A>G]TGGACAGTGAATGCTGATTTCTAGACCTAAGTTGGACTCTGCAAAATAAGACAGAATTAG-3'
Protein context (NP_003230.1, residues 219-239): LGLEISIHCP[Cys229Arg]HTFQPNGDIL

ClinVar aggregate classification (germline): Uncertain significance (1 of 4 stars; one submission).

Conditions:
TGFB3-related disorder. Also called: TGFB3-related condition.

Submission:

PreventionGenetics, part of Exact Sciences
Classification: Uncertain significance for TGFB3-related condition. Last evaluated: 2023-06-16. Review status: criteria provided, single submitter. Criteria: ACMG Guidelines, 2015. Collection method: clinical testing. Allele origin: germline.
Comment: The TGFB3 c.685T>C variant is predicted to result in the amino acid substitution p.Cys229Arg. To our knowledge, this variant has not been reported in the literature or in a large population database, indicating this variant is rare. At this time, the clinical significance of this variant is uncertain due to the absence of conclusive functional and genetic evidence.